The following is an entry in ClinVar:

NM_000179.3(MSH6):c.939A>G (p.Lys313=)

Gene: MSH6 (mutS homolog 6; plus strand). Cytogenetic location: 2p16.3.
Variant type: single nucleotide variant.
Coding change: c.939A>G on transcript NM_000179.3 (MANE Select); coding-DNA position 939, A replaced by G.
Protein change: p.Lys313=; no amino-acid change (lysine 313 retained).
Molecular consequence: synonymous variant. On other transcripts: intron variant (1), non-coding transcript variant (4).
Genome position (GRCh38, 1-based): chr2:47,798,922, A>G. VCF-style: chr2-47798922-A-G. GRCh37 (hg19) VCF-style: chr2-48026061-A-G.
Other names: c.861A>G, p.Lys287= (NM_001406804.1); c.642A>G, p.Lys214= (NM_001406805.1, NM_001406818.1, NM_001406819.1 and 10 more transcripts); c.414A>G, p.Lys138= (NM_001406806.1, NM_001406807.1, NM_001406799.1); c.939A>G, p.Lys313= (NM_001406808.1, NM_001406809.1, NM_001406817.1 and 4 more transcripts); c.33A>G, p.Lys11= (NM_001406811.1, NM_001406812.1, NM_001406814.1 and 6 more transcripts); c.945A>G, p.Lys315= (NM_001406813.1); c.771A>G, p.Lys257= (NM_001406826.1); c.628-1744A>G (NM_001407362.1); and 2 more.
Identifiers: ClinVar variation 1921082 (VCV001921082.7), dbSNP rs2104307664, ClinGen allele CA426120619.

ClinVar aggregate classification (germline): Benign/Likely benign. Review status: criteria provided, multiple submitters, no conflicts (2 of 4 stars). 3 submissions from 3 submitters: Benign (1); Likely benign (2). Last evaluated 2024-12-20.

Conditions:
Hereditary nonpolyposis colorectal neoplasms. Identifiers: MedGen C0009405, MeSH D003123.
Hereditary cancer-predisposing syndrome. Also called: Hereditary Cancer Syndrome; Hereditary neoplastic syndrome; Neoplastic Syndromes, Hereditary; Tumor predisposition. Identifiers: Orphanet 140162, MedGen C0027672, MeSH D009386, MONDO:0015356.
Lynch syndrome 5 (LYNCH5). Also called: Hereditary non-polyposis colorectal cancer, type 5; Colorectal cancer, hereditary nonpolyposis, type 5. Identifiers: Orphanet 144, MedGen C1833477, MONDO:0013710, OMIM 614350. Disease mechanism: loss of function.

Submissions (3):

Myriad Genetics, Inc.
Classification: Benign for Lynch syndrome 5. Last evaluated: 2024-12-20. Review status: criteria provided, single submitter. Criteria: Myriad Autosomal Dominant, Autosomal Recessive and X-Linked Classification Criteria (2023). Collection method: clinical testing. Allele origin: unknown.
Comment: This variant is considered benign. This variant is a silent/synonymous amino acid change and it is not expected to impact splicing.

Ambry Genetics
Classification: Likely benign for Hereditary cancer-predisposing syndrome. Last evaluated: 2024-07-18. Review status: criteria provided, single submitter. Criteria: Ambry Variant Classification Scheme 2023. Collection method: clinical testing. Allele origin: germline.

Labcorp Genetics (formerly Invitae), Labcorp
Classification: Likely benign for Hereditary nonpolyposis colorectal neoplasms. Last evaluated: 2023-07-08. Review status: criteria provided, single submitter. Criteria: Invitae Variant Classification Sherloc (09022015). Collection method: clinical testing. Allele origin: germline.